The following is an entry in ClinVar:

NM_000195.5(HPS1):c.1702dup (p.Glu568fs)

Gene: HPS1 (HPS1 biogenesis of lysosomal organelles complex 3 subunit 1; minus strand). Cytogenetic location: 10q24.2.
Variant type: Duplication.
Coding change: c.1702dup on transcript NM_000195.5 (MANE Select); coding-DNA position 1702, one base duplicated (G; older notation c.1702dupG).
Protein change: p.Glu568fs; shifts the reading frame from glutamic acid 568.
Molecular consequence: frameshift variant.
Genome position (GRCh38, 1-based): chr10:98,422,410, C duplicated on the plus strand (G on the coding strand, the reverse complement: HPS1 is on the minus strand); the first of 2 consecutive C bases (chr10:98,422,410-98,422,411); duplicating either gives the same sequence. VCF-style (leftmost placement, unchanged base first): chr10-98422409-T-TC. GRCh37 (hg19) VCF-style: chr10-100182166-T-TC.
Other names: c.730dup, p.Glu244fs (NM_001311345.2, NM_001322487.2, NM_001322489.2); c.1702dup, p.Glu568fs (NM_001322476.2, NM_001322477.2); c.1603dup, p.Glu535fs (NM_001322478.2, NM_001322479.2); c.1441dup, p.Glu481fs (NM_001322480.2, NM_001322481.2); c.1342dup, p.Glu448fs (NM_001322482.2); c.1333dup, p.Glu445fs (NM_001322483.2, NM_001322484.2); c.1234dup, p.Glu412fs (NM_001322485.2); short protein forms E244fs, E412fs, E445fs, E448fs, E481fs, E535fs, E568fs.
Identifiers: ClinVar variation 5015270 (VCV005015270.1).

ClinVar aggregate classification (germline): Pathogenic (1 of 4 stars; one submission).

Conditions:
Hermansky-Pudlak syndrome 1 (HPS1). Also called: DELTA STORAGE POOL DISEASE. Identifiers: Orphanet 231500, Orphanet 79430, MedGen C2931875, MONDO:0008748, OMIM 203300.

Submission:

Myriad Genetics, Inc.
Classification: Pathogenic for Hermansky-Pudlak syndrome 1. Last evaluated: 2025-11-27. Review status: criteria provided, single submitter. Criteria: Myriad Autosomal Dominant, Autosomal Recessive and X-Linked Classification Criteria (2023). Collection method: clinical testing. Allele origin: unknown.
Comment: NM_000195.3(HPS1):c.1702dupG(E568Gfs*14) is expected to be pathogenic in the context of Hermansky-Pudlak syndrome, HPS1-related. This variant is predicted to lead to an abnormal or absent protein product due to the creation of a premature termination codon in HPS1, a gene where loss-of-function variants are known to be pathogenic. Please note: this variant was assessed in the context of healthy population screening.